The following is an entry in ClinVar:

NM_013352.4(DSE):c.*11A>G

Gene: DSE (dermatan sulfate epimerase; plus strand). Cytogenetic location: 6q22.1.
Variant type: single nucleotide variant.
Coding change: c.*11A>G on transcript NM_013352.4 (MANE Select); 11 bases downstream of the stop codon, A replaced by G.
Molecular consequence: 3 prime UTR variant. On other transcripts: non-coding transcript variant (1).
Genome position (GRCh38, 1-based): chr6:116,437,356, A>G. VCF-style: chr6-116437356-A-G. GRCh37 (hg19) VCF-style: chr6-116758519-A-G.
Other names: c.*11A>G (NM_001080976.3, NM_001322937.2, NM_001322938.2 and 5 more transcripts); c.*1753A>G (NM_001322943.2, NM_001322944.2).
Identifiers: ClinVar variation 4848281 (VCV004848281.1).

ClinVar aggregate classification (germline): Uncertain significance (1 of 4 stars; one submission).

gnomAD v4.1: 40 of 1,557,366 alleles (0.0026%); highest among the groups gnomAD compares: Non-Finnish European, 0.0034%; no homozygotes.

Submission:

Women's Health and Genetics/Laboratory Corporation of America, LabCorp
Classification: Uncertain significance. Last evaluated: 2026-02-17. Review status: criteria provided, single submitter. Criteria: LabCorp Variant Classification Summary - May 2015. Collection method: clinical testing. Allele origin: germline.
Comment: Variant summary: DSE c.*11A>G is located in the untranslated mRNA region downstream of the termination codon. The variant allele was found at a frequency of 9.9e-06 in 202690 control chromosomes. The available data on variant occurrences in the general population are insufficient to allow any conclusion about variant significance. To our knowledge, no occurrence of c.*11A>G in individuals affected with DSE-related conditions and no experimental evidence demonstrating its impact on protein function have been reported. No submitters have cited clinical-significance assessments for this variant to ClinVar. Based on the evidence outlined above, the variant was classified as uncertain significance.